The following is an entry in ClinVar:

ClinVar aggregate classification (germline): Uncertain significance. Review status: criteria provided, single submitter (1 of 4 stars). 2 submissions from 2 submitters: Uncertain significance (1). 1 of the submissions does not count toward it. Last evaluated 2025-01-20.

Conditions:
Prostate cancer. Also called: Malignant tumor of prostate. Identifiers: Orphanet 1331, MedGen C0376358, MONDO:0008315, HP:0012125.

Allele frequency attached by ClinVar (database versions not stated): TOPMed 0.00006; ESP Exome Variant Server 0.00008; gnomAD exomes 0.00006 and 0.00007; gnomAD 0.00006; ExAC 0.00011.

Submissions (2):

Ambry Genetics
Classification: Uncertain significance. Last evaluated: 2025-01-20. Review status: criteria provided, single submitter. Criteria: Ambry Variant Classification Scheme 2023. Collection method: clinical testing. Allele origin: germline.

Science for Life laboratory,  Karolinska Institutet
Classification: Uncertain significance for Malignant tumor of prostate. Review status: no assertion criteria provided. Collection method: not provided. Allele origin: somatic. Not counted in ClinVar's aggregate classification.
Comment: TumorID:SWE-11
ClinVar note: Converted during submission from Unknown to Uncertain significance.

NM_006774.5(INMT):c.625C>T (p.Arg209Cys)

Genes: INMT (indolethylamine N-methyltransferase; plus strand), INMT-MINDY4 (INMT-MINDY4 readthrough (NMD candidate); plus strand). Cytogenetic location: 7p14.3.
Variant type: single nucleotide variant.
Coding change: c.625C>T on transcript NM_006774.5 (MANE Select); coding-DNA position 625, C replaced by T.
Protein change: p.Arg209Cys; replaces arginine 209 with cysteine.
Molecular consequence: missense variant.
Genome position (GRCh38, 1-based): chr7:30,755,684, C>T. VCF-style: chr7-30755684-C-T. GRCh37 (hg19) VCF-style: chr7-30795300-C-T.
Other names: c.622C>T, p.Arg208Cys (NM_001199219.2); short protein forms R209C, R208C.
Identifiers: ClinVar variation 161650 (VCV000161650.3), dbSNP rs193920790, ClinGen allele CA174528.